The following is an entry in ClinVar:

ClinVar aggregate classification (germline): Conflicting classifications of pathogenicity. Review status: criteria provided, conflicting classifications (1 of 4 stars). 2 submissions from 2 submitters: Likely pathogenic (1); Uncertain significance (1). Last evaluated 2025-09-17.

Conditions:
GBA1-related disorder. Also called: GBA1-related condition.
Gaucher disease. Also called: Acute cerebral Gaucher disease; Cerebroside lipidosis syndrome; Gaucher splenomegaly; Sphingolipidosis 1; Glucocerebrosidosis; Glucosylceramidase deficiency. Identifiers: Orphanet 355, MedGen C0017205, MONDO:0018150.

Submissions (2):

Natera, Inc.
Classification: Likely pathogenic for Gaucher disease. Last evaluated: 2025-09-17. Review status: criteria provided, single submitter. Criteria: Natera Variant Classification Schema (03/2026). Collection method: clinical testing. Allele origin: germline.
Comment: The c.1409C>T variant in GBA1 is a missense variant predicted to cause substitution of serine to phenylalanine at amino acid 470. This variant is rare in the general population with a frequency below the threshold expected for the associated phenotype(s). This variant has been observed in one or more individuals affected with the associated recessive disease, as either homozygous or compound heterozygous with a second variant (PMID: 31774256). This variant has been identified in one or more affected individual with a phenotype highly consistent with the associated gene (PMID: 31774256). Computational prediction algorithms indicate this variant is likely to affect gene or protein function. Given the available evidence, this variant is classified as Likely Pathogenic.

3billion
Classification: Uncertain significance for GBA1-related disorder. Last evaluated: 2025-03-19. Review status: criteria provided, single submitter. Criteria: ACMG Guidelines, 2015. Collection method: clinical testing. Allele origin: germline. Affected: yes.

Literature cited by the submitters: PubMed 31774256 (cited by Natera, Inc.).

NM_000157.4(GBA1):c.1409C>T (p.Ser470Phe)

Genes: GBA1 (glucosylceramidase beta 1; minus strand), LOC106627981 (GBA recombination region; plus strand). Cytogenetic location: 1q22.
Variant type: single nucleotide variant.
Coding change: c.1409C>T on transcript NM_000157.4 (MANE Select); coding-DNA position 1409, C replaced by T.
Protein change: p.Ser470Phe; replaces serine 470 with phenylalanine.
Molecular consequence: missense variant.
Genome position (GRCh38, 1-based): chr1:155,235,291, G>A on the plus strand (C>T on the coding strand, the complement: GBA1 is on the minus strand). VCF-style: chr1-155235291-G-A. GRCh37 (hg19) VCF-style: chr1-155205082-G-A.
Other names: c.1409C>T (NM_000157.3); c.1409C>T, p.Ser470Phe (NM_001005741.3, NM_001005742.3); c.1148C>T, p.Ser383Phe (NM_001171811.2); c.1262C>T, p.Ser421Phe (NM_001171812.2); short protein forms S383F, S421F, S470F.
Identifiers: ClinVar variation 4292009 (VCV004292009.2).